The following is an entry in ClinVar:

NM_004304.5(ALK):c.4279T>C (p.Ser1427Pro)

Gene: ALK (ALK receptor tyrosine kinase; minus strand). Cytogenetic location: 2p23.2.
Variant type: single nucleotide variant.
Coding change: c.4279T>C on transcript NM_004304.5 (MANE Select); coding-DNA position 4279, T replaced by C.
Protein change: p.Ser1427Pro; replaces serine 1427 with proline.
Molecular consequence: missense variant.
Genome position (GRCh38, 1-based): chr2:29,193,808, A>G on the plus strand (T>C on the coding strand, the complement: ALK is on the minus strand). VCF-style: chr2-29193808-A-G. GRCh37 (hg19) VCF-style: chr2-29416674-A-G.
Other names: c.1075T>C, p.Ser359Pro (NM_001353765.2); short protein forms S1427P, S359P.
Identifiers: ClinVar variation 1739316 (VCV001739316.9), dbSNP rs1668951556, ClinGen allele CA346462833.

ClinVar aggregate classification (germline): Uncertain significance. Review status: criteria provided, multiple submitters, no conflicts (2 of 4 stars). 3 submissions from 3 submitters: Uncertain significance (3). Last evaluated 2025-10-02.

Conditions:
Neuroblastoma, susceptibility to, 3. Also called: ALK-Related Neuroblastic Tumor Susceptibility. Identifiers: Orphanet 635, MedGen C2751681, MONDO:0013083, OMIM 613014.
Hereditary cancer-predisposing syndrome. Also called: Neoplastic Syndromes, Hereditary; Tumor predisposition; Hereditary Cancer Syndrome; Hereditary neoplastic syndrome. Identifiers: Orphanet 140162, MedGen C0027672, MeSH D009386, MONDO:0015356.

Allele frequency attached by ClinVar (database versions not stated): gnomAD exomes below 0.00001; TOPMed below 0.00001; gnomAD 0.00001.
gnomAD v4.1: 5 of 1,599,686 alleles (0.00031%); highest among the groups gnomAD compares: Middle Eastern, 0.017%; no homozygotes.

Submissions (3):

Ambry Genetics
Classification: Uncertain significance for Hereditary cancer-predisposing syndrome. Last evaluated: 2025-10-02. Review status: criteria provided, single submitter. Criteria: Ambry Variant Classification Scheme 2023. Collection method: clinical testing. Allele origin: germline.
Comment: The p.S1427P variant (also known as c.4279T>C), located in coding exon 29 of the ALK gene, results from a T to C substitution at nucleotide position 4279. The serine at codon 1427 is replaced by proline, an amino acid with similar properties. This amino acid position is conserved. In addition, this alteration is predicted to be tolerated by in silico analysis. Since supporting evidence is limited at this time, the clinical significance of this alteration remains unclear.

Baylor Genetics
Classification: Uncertain significance for Neuroblastoma, susceptibility to, 3. Last evaluated: 2023-10-18. Review status: criteria provided, single submitter. Criteria: ACMG Guidelines, 2015. Collection method: clinical testing. Allele origin: unknown.

Labcorp Genetics (formerly Invitae), Labcorp
Classification: Uncertain significance for Neuroblastoma, susceptibility to, 3. Last evaluated: 2023-08-02. Review status: criteria provided, single submitter. Criteria: Invitae Variant Classification Sherloc (09022015). Collection method: clinical testing. Allele origin: germline.
Comment: This variant is not present in population databases (gnomAD no frequency). In summary, the available evidence is currently insufficient to determine the role of this variant in disease. Therefore, it has been classified as a Variant of Uncertain Significance. Algorithms developed to predict the effect of sequence changes on RNA splicing suggest that this variant may disrupt the consensus splice site. An algorithm developed to predict the effect of missense changes on protein structure and function (PolyPhen-2) suggests that this variant is likely to be disruptive. ClinVar contains an entry for this variant (Variation ID: 1739316). This variant has not been reported in the literature in individuals affected with ALK-related conditions. This sequence change replaces serine, which is neutral and polar, with proline, which is neutral and non-polar, at codon 1427 of the ALK protein (p.Ser1427Pro).